The following is an entry in ClinVar:

ClinVar aggregate classification (germline): Uncertain significance. Review status: criteria provided, multiple submitters, no conflicts (2 of 4 stars). 3 submissions from 3 submitters: Uncertain significance (3). Last evaluated 2024-11-15.

Conditions:
Hereditary cancer-predisposing syndrome. Also called: Neoplastic Syndromes, Hereditary; Tumor predisposition; Hereditary Cancer Syndrome; Hereditary neoplastic syndrome. Identifiers: Orphanet 140162, MedGen C0027672, MeSH D009386, MONDO:0015356.
Neurofibromatosis, type 2 (SWNV). Also called: BILATERAL ACOUSTIC NEUROFIBROMATOSIS; SCHWANNOMATOSIS, VESTIBULAR; NF2-Related Schwannomatosis. Identifiers: Orphanet 637, MedGen C0027832, MONDO:0007039, OMIM 101000. Disease mechanism: loss of function.

Allele frequency attached by ClinVar (database versions not stated): gnomAD exomes below 0.00001.
gnomAD v4.1: 3 of 1,614,034 alleles (0.00019%); highest among the groups gnomAD compares: Non-Finnish European, 0.00025%; no homozygotes.

Submissions (3):

Ambry Genetics
Classification: Uncertain significance for Hereditary cancer-predisposing syndrome. Last evaluated: 2024-11-15. Review status: criteria provided, single submitter. Criteria: Ambry Variant Classification Scheme 2023. Collection method: clinical testing. Allele origin: germline.
Comment: The p.K130N variant (also known as c.390G>T), located in coding exon 4 of the NF2 gene, results from a G to T substitution at nucleotide position 390. The lysine at codon 130 is replaced by asparagine, an amino acid with similar properties. This amino acid position is not well conserved in available vertebrate species. In addition, this alteration is predicted to be tolerated by in silico analysis. Based on the available evidence, the clinical significance of this variant remains unclear.

Labcorp Genetics (formerly Invitae), Labcorp
Classification: Uncertain significance for Neurofibromatosis, type 2. Last evaluated: 2024-04-22. Review status: criteria provided, single submitter. Criteria: Invitae Variant Classification Sherloc (09022015). Collection method: clinical testing. Allele origin: germline.
Comment: This sequence change replaces lysine, which is basic and polar, with asparagine, which is neutral and polar, at codon 130 of the NF2 protein (p.Lys130Asn). This variant is not present in population databases (gnomAD no frequency). This variant has not been reported in the literature in individuals affected with NF2-related conditions. Advanced modeling of protein sequence and biophysical properties (such as structural, functional, and spatial information, amino acid conservation, physicochemical variation, residue mobility, and thermodynamic stability) performed at Invitae indicates that this missense variant is not expected to disrupt NF2 protein function with a negative predictive value of 80%. In summary, the available evidence is currently insufficient to determine the role of this variant in disease. Therefore, it has been classified as a Variant of Uncertain Significance.

All of Us Research Program, National Institutes of Health
Classification: Uncertain significance for Neurofibromatosis, type 2. Last evaluated: 2023-12-01. Review status: criteria provided, single submitter. Criteria: ACMG Guidelines, 2015. Collection method: clinical testing. Allele origin: germline. Inheritance: Autosomal dominant inheritance. Observed: 1 variant allele, 1 heterozygote.
Comment: This study involves interpretation of variants in research participants for the purpose of population health screening. Participant phenotype was not available at the time of variant classification. Additional details can be found in publication PMID: 35346344, PMCID: PMC8962531

NM_000268.4(NF2):c.390G>T (p.Lys130Asn)

Gene: NF2 (NF2, moesin-ezrin-radixin like (MERLIN) tumor suppressor; plus strand). Cytogenetic location: 22q12.2.
Variant type: single nucleotide variant.
Coding change: c.390G>T on transcript NM_000268.4 (MANE Select); coding-DNA position 390, G replaced by T.
Protein change: p.Lys130Asn; replaces lysine 130 with asparagine.
Molecular consequence: missense variant. On other transcripts: 5 prime UTR variant (1), non-coding transcript variant (1).
Genome position (GRCh38, 1-based): chr22:29,642,228, G>T. VCF-style: chr22-29642228-G-T. GRCh37 (hg19) VCF-style: chr22-30038217-G-T.
Other names: c.276G>T, p.Lys92Asn (NM_001407053.1, NM_001407056.1); c.267G>T, p.Lys89Asn (NM_001407054.1, NM_001407058.1, NM_001407062.1 and 1 more transcripts); c.264G>T, p.Lys88Asn (NM_001407055.1, NM_181828.3); c.390G>T, p.Lys130Asn (NM_001407057.1, NM_001407059.1, NM_001407060.1 and 5 more transcripts); c.141G>T, p.Lys47Asn (NM_001407063.1, NM_001407064.1, NM_181830.3 and 1 more transcripts); c.-251G>T (NM_001407065.1); c.159G>T, p.Lys53Asn (NM_001407067.1); short protein forms K47N, K53N, K88N, K89N, K92N, K130N.
Identifiers: ClinVar variation 2696332 (VCV002696332.5), dbSNP rs2146893279, ClinGen allele CA411153774.